The following is an entry in ClinVar:

NM_000500.9(CYP21A2):c.171del (p.Ile59fs)

Genes: CYP21A2 (cytochrome P450 family 21 subfamily A member 2; plus strand), LOC106780800 (CYP21A2 recombination region; plus strand). Cytogenetic location: 6p21.33.
Variant type: Deletion.
Coding change: c.171del on transcript NM_000500.9 (MANE Select); coding-DNA position 171, one base deleted (G; older notation c.171delG).
Protein change: p.Ile59fs; shifts the reading frame from isoleucine 59.
Molecular consequence: frameshift variant. On other transcripts: 5 prime UTR variant (2).
Genome position (GRCh38, 1-based): chr6:32,038,593, G deleted; the last of 3 consecutive G bases (chr6:32,038,591-32,038,593); deleting any one gives the same sequence. VCF-style (leftmost placement, unchanged base first): chr6-32038590-CG-C. GRCh37 (hg19) VCF-style: chr6-32006367-CG-C.
Other names: c.171del, p.Ile59fs (NM_001128590.4); c.-254del (NM_001368143.2); c.-164del (NM_001368144.2); short protein forms I59fs.
Identifiers: ClinVar variation 3571994 (VCV003571994.1).

ClinVar aggregate classification (germline): Likely pathogenic (1 of 4 stars; one submission).

Submission:

Athena Diagnostics
Classification: Likely pathogenic. Last evaluated: 2024-07-05. Review status: criteria provided, single submitter. Criteria: Athena Diagnostics Criteria. Collection method: clinical testing. Allele origin: unknown.
Comment: This variant is expected to result in the loss of a functional protein. This variant has not been reported in large, multi-ethnic general populations.